The following is an entry in ClinVar:

NM_000184.2(HBG2):c.277C>T (p.His93Tyr)

Genes: HBG2 (hemoglobin subunit gamma 2; minus strand), LOC106099065 (HBG2 recombination region; plus strand). Cytogenetic location: 11p15.4.
Variant type: single nucleotide variant.
Coding change: c.277C>T on transcript NM_000184.2; coding-DNA position 277, C replaced by T.
Protein change: p.His93Tyr; replaces histidine 93 with tyrosine.
Molecular consequence: missense variant (on NM_000184.3).
Genome position (GRCh38, 1-based): chr11:5,254,330, G>A on the plus strand (C>T on the coding strand, the complement: HBG2 is on the minus strand). VCF-style: chr11-5254330-G-A. GRCh37 (hg19) VCF-style: chr11-5275560-G-A.
Other names: H92Y; Hb F-M-Fort Ripley; c.277C>T, p.His93Tyr (NM_000184.3); short protein forms H93Y.
Identifiers: ClinVar variation 14989 (VCV000014989.8), dbSNP rs35103459, ClinGen allele CA124554.

ClinVar aggregate classification (germline): Pathogenic. Review status: criteria provided, single submitter (1 of 4 stars). 2 submissions from 2 submitters: Pathogenic (1). 1 of the submissions does not count toward it. Last evaluated 2021-05-18.

Conditions:
Cyanosis, transient neonatal (TNCY). Also called: CYANOSIS, TRANSIENT NEONATEL. Identifiers: Orphanet 280615, MedGen C3151421, MONDO:0013511, OMIM 613977.

Submissions (2):

ARUP Laboratories, Molecular Genetics and Genomics, ARUP Laboratories
Classification: Pathogenic. Last evaluated: 2021-05-18. Review status: criteria provided, single submitter. Criteria: ARUP Molecular Germline Variant Investigation Process 2021. Collection method: clinical testing. Allele origin: germline.
Comment: The Hb FM-Fort Ripley variant (HBA1: c.277C>T; p.His93Tyr, also known as His92Tyr when numbered from the mature protein, rs35103459) is reported in the literature in multiple individuals and segregates with disease in large families affected with transient neonatal cyanosis (see link to HbVar, Hain 1994, Hooven 2016, Priest 1989). This variant is also reported in ClinVar (Variation ID: 14989), and is absent from the Genome Aggregation Database, indicating it is not a common polymorphism. The histidine at codon 93 is highly conserved, and computational analyses predict that this variant is deleterious (REVEL: 0.893). Based on available information, this variant is considered to be pathogenic. References: Link to HbVar for Hb FM-Fort Ripley: Hain RD et al. Hb FM-Fort Ripley: confirmation of autosomal dominant inheritance and diagnosis by PCR and direct nucleotide sequencing. Hum Mutat. 1994;3(3):239-42. PMID: 7517266. Hooven TA et al. Diagnosis of a rare fetal haemoglobinopathy in the age of next-generation sequencing. BMJ Case Rep. 2016 Apr 19;2016:10.1136/bcr-2016-215193. PMID: 27095814. Priest JR et al. Mutant fetal hemoglobin causing cyanosis in a newborn. Pediatrics. 1989 May;83(5):734-6. PMID: 2470017.

OMIM
Classification: Pathogenic for CYANOSIS, TRANSIENT NEONATEL. Last evaluated: 1989-05-01. Review status: no assertion criteria provided. Collection method: literature only. Allele origin: germline. Not counted in ClinVar's aggregate classification.

Literature cited by the submitters: PubMed 2470017 (cited by OMIM); PubMed 2483933 (cited by OMIM).